The following is an entry in ClinVar:

ClinVar aggregate classification (germline): Uncertain significance. Review status: criteria provided, multiple submitters, no conflicts (2 of 4 stars). 2 submissions from 2 submitters: Uncertain significance (2). Last evaluated 2025-06-03.

Conditions:
Inborn genetic diseases. Identifiers: MedGen C0950123, MeSH D030342.

Allele frequency attached by ClinVar (database versions not stated): TOPMed 0.00002; ExAC 0.00002.
gnomAD v4.1: 2 of 1,614,188 alleles (0.00012%); highest among the groups gnomAD compares: African/African-American, 0.0027%; no homozygotes.

Submissions (2):

Labcorp Genetics (formerly Invitae), Labcorp
Classification: Uncertain significance. Last evaluated: 2025-06-03. Review status: criteria provided, single submitter. Criteria: Invitae Variant Classification Sherloc (09022015). Collection method: clinical testing. Allele origin: germline.
Comment: This sequence change replaces isoleucine, which is neutral and non-polar, with leucine, which is neutral and non-polar, at codon 537 of the CUL7 protein (p.Ile537Leu). This variant is present in population databases (rs774424806, gnomAD 0.01%). This variant has not been reported in the literature in individuals affected with CUL7-related conditions. ClinVar contains an entry for this variant (Variation ID: 1967948). An algorithm developed to predict the effect of missense changes on protein structure and function outputs the following: PolyPhen-2: "Benign". The leucine amino acid residue is found in multiple mammalian species, which suggests that this missense change does not adversely affect protein function. In summary, the available evidence is currently insufficient to determine the role of this variant in disease. Therefore, it has been classified as a Variant of Uncertain Significance.

Ambry Genetics
Classification: Uncertain significance for Inborn genetic diseases. Last evaluated: 2022-06-24. Review status: criteria provided, single submitter. Criteria: Ambry Variant Classification Scheme 2023. Collection method: clinical testing. Allele origin: germline.

NM_014780.5(CUL7):c.1609A>C (p.Ile537Leu)

Gene: CUL7 (cullin 7; minus strand). Cytogenetic location: 6p21.1.
Variant type: single nucleotide variant.
Coding change: c.1609A>C on transcript NM_014780.5 (MANE Select); coding-DNA position 1609, A replaced by C.
Protein change: p.Ile537Leu; replaces isoleucine 537 with leucine.
Molecular consequence: missense variant.
Genome position (GRCh38, 1-based): chr6:43,049,623, T>G on the plus strand (A>C on the coding strand, the complement: CUL7 is on the minus strand). VCF-style: chr6-43049623-T-G. GRCh37 (hg19) VCF-style: chr6-43017361-T-G.
Other names: c.1705A>C, p.Ile569Leu (NM_001168370.2, NM_001374872.1); c.1609A>C, p.Ile537Leu (NM_001374873.1, NM_001374874.1); short protein forms I569L, I537L.
Identifiers: ClinVar variation 1967948 (VCV001967948.6), dbSNP rs774424806, ClinGen allele CA3814102.